The following is an entry in ClinVar:

NM_000340.2(SLC2A2):c.1432C>G (p.Leu478Val)

Gene: SLC2A2 (solute carrier family 2 member 2; minus strand). Cytogenetic location: 3q26.2.
Variant type: single nucleotide variant.
Coding change: c.1432C>G on transcript NM_000340.2 (MANE Select); coding-DNA position 1432, C replaced by G.
Protein change: p.Leu478Val; replaces leucine 478 with valine.
Molecular consequence: missense variant.
Genome position (GRCh38, 1-based): chr3:170,998,046, G>C on the plus strand (C>G on the coding strand, the complement: SLC2A2 is on the minus strand). VCF-style: chr3-170998046-G-C. GRCh37 (hg19) VCF-style: chr3-170715835-G-C.
Other names: c.1075C>G, p.Leu359Val (NM_001278658.2); c.913C>G, p.Leu305Val (NM_001278659.2); short protein forms L478V, L305V, L359V.
Identifiers: ClinVar variation 344159 (VCV000344159.60), dbSNP rs5397, ClinGen allele CA2702399.

ClinVar aggregate classification (germline): Conflicting classifications of pathogenicity. Review status: criteria provided, conflicting classifications (1 of 4 stars). 6 submissions from 6 submitters: Uncertain significance (4); Likely benign (1). 1 of the submissions does not count toward it. Last evaluated 2026-01-26.

Conditions:
Fanconi-Bickel syndrome (FBS). Also called: FANCONI SYNDROME WITH INTESTINAL MALABSORPTION AND GALACTOSE INTOLERANCE; HEPATIC GLYCOGENOSIS WITH AMINO ACIDURIA AND GLUCOSURIA; HEPATIC GLYCOGENOSIS WITH FANCONI NEPHROPATHY; HEPATORENAL GLYCOGENOSIS WITH RENAL FANCONI SYNDROME; PSEUDO-PHLORIZIN DIABETES; Glycogen storage disease due to GLUT2 deficiency. Identifiers: Orphanet 2088, MedGen C3495427, MONDO:0009216, OMIM 227810.
Type 2 diabetes mellitus. Also called: Type II diabetes mellitus. Identifiers: MedGen C0011860, MeSH D003924, MONDO:0005148, OMIM 125853, HP:0005978.
SLC2A2-related disorder. Also called: SLC2A2-related condition.

Allele frequency attached by ClinVar (database versions not stated): 1000 Genomes Project 30x 0.00031; 1000 Genomes Project 0.00040; TOPMed 0.00079; gnomAD 0.00083; ExAC 0.00104; gnomAD exomes 0.00106; ESP Exome Variant Server 0.00108.
gnomAD v4.1: 2,032 of 1,613,612 alleles (0.13%); highest among the groups gnomAD compares: South Asian, 0.22%; 8 homozygotes.

Submissions (6):

Labcorp Genetics (formerly Invitae), Labcorp
Classification: Likely benign for Fanconi-Bickel syndrome. Last evaluated: 2026-01-26. Review status: criteria provided, single submitter. Criteria: Invitae Variant Classification Sherloc (09022015). Collection method: clinical testing. Allele origin: germline.

New York Genome Center
Classification: Uncertain significance for Type 2 diabetes mellitus; Fanconi-Bickel syndrome. Last evaluated: 2022-04-01. Review status: criteria provided, single submitter. Criteria: NYGC Assertion Criteria 2020. Collection method: clinical testing. Allele origin: germline. Observed: 1 heterozygote.

Fulgent Genetics
Classification: Uncertain significance for Type 2 diabetes mellitus; Fanconi-Bickel syndrome. Last evaluated: 2018-10-31. Review status: criteria provided, single submitter. Criteria: ACMG Guidelines, 2015. Collection method: clinical testing. Allele origin: unknown.

Illumina Laboratory Services, Illumina
Classification: Uncertain significance for Fanconi-Bickel syndrome. Last evaluated: 2018-01-13. Review status: criteria provided, single submitter. Criteria: ICSL Variant Classification Criteria 13 December 2019. Collection method: clinical testing. Allele origin: germline.

CeGaT Center for Human Genetics Tuebingen
Classification: Uncertain significance. Last evaluated: 2016-08-01. Review status: criteria provided, single submitter. Criteria: CeGaT Center For Human Genetics Tuebingen Variant Classification Criteria Version 2. Collection method: clinical testing. Allele origin: germline. Affected: yes. Observed: 1 variant allele.

PreventionGenetics, part of Exact Sciences
Classification: Likely benign for SLC2A2-related condition. Last evaluated: 2022-09-28. Review status: no assertion criteria provided. Collection method: clinical testing. Allele origin: germline. Not counted in ClinVar's aggregate classification.
Comment: This variant is classified as likely benign based on ACMG/AMP sequence variant interpretation guidelines (Richards et al. 2015 PMID: 25741868, with internal and published modifications).